The following is an entry in ClinVar:

NM_001375567.1(FOCAD):c.5247G>T (p.Gln1749His)

Gene: FOCAD (focadhesin; plus strand). Cytogenetic location: 9p21.3.
Variant type: single nucleotide variant.
Coding change: c.5247G>T on transcript NM_001375567.1 (MANE Select); coding-DNA position 5247, G replaced by T.
Protein change: p.Gln1749His; replaces glutamine 1749 with histidine.
Molecular consequence: missense variant.
Genome position (GRCh38, 1-based): chr9:20,990,365, G>T. VCF-style: chr9-20990365-G-T. GRCh37 (hg19) VCF-style: chr9-20990364-G-T.
Other names: c.5142G>T, p.Gln1714His (NM_001375568.1, NM_001375570.1); c.5247G>T, p.Gln1749His (NM_017794.5); short protein forms Q1714H, Q1749H.
Identifiers: ClinVar variation 720395 (VCV000720395.9), dbSNP rs146289463, ClinGen allele CA5008231.

ClinVar aggregate classification (germline): Benign. Review status: criteria provided, multiple submitters, no conflicts (2 of 4 stars). 3 submissions from 3 submitters: Benign (2). 1 of the submissions does not count toward it. Last evaluated 2026-01-27.

Conditions:
FOCAD-related disorder. Also called: FOCAD-related condition.

Allele frequency attached by ClinVar (database versions not stated): gnomAD exomes 0.00064; ExAC 0.00080; 1000 Genomes Project 30x 0.00203; gnomAD 0.00228 and 0.00247; TOPMed 0.00229; 1000 Genomes Project 0.00240; ESP Exome Variant Server 0.00292.
gnomAD v4.1: 752 of 1,613,400 alleles (0.047%); highest among the groups gnomAD compares: African/African-American, 0.91%; 3 homozygotes.

Submissions (3):

Labcorp Genetics (formerly Invitae), Labcorp
Classification: Benign. Last evaluated: 2026-01-27. Review status: criteria provided, single submitter. Criteria: Invitae Variant Classification Sherloc (09022015). Collection method: clinical testing. Allele origin: germline.

Breakthrough Genomics
Classification: Benign. Review status: criteria provided, single submitter. Criteria: ACMG Guidelines, 2015. Collection method: not provided. Allele origin: germline. Inheritance: Autosomal recessive inheritance. Affected: yes.

PreventionGenetics, part of Exact Sciences
Classification: Benign for FOCAD-related condition. Last evaluated: 2019-04-30. Review status: no assertion criteria provided. Collection method: clinical testing. Allele origin: germline. Not counted in ClinVar's aggregate classification.
Comment: This variant is classified as benign based on ACMG/AMP sequence variant interpretation guidelines (Richards et al. 2015 PMID: 25741868, with internal and published modifications).